The following is an entry in ClinVar:

ClinVar aggregate classification (germline): Uncertain significance (1 of 4 stars; one submission).

Conditions:
Landau-Kleffner syndrome (FESD). Also called: EPILEPSY, FOCAL, WITH SPEECH DISORDER AND WITH OR WITHOUT MENTAL RETARDATION; APHASIA, ACQUIRED, WITH EPILEPSY. Identifiers: Orphanet 1945, Orphanet 725, Orphanet 98818, MedGen C0282512, MONDO:0009509, OMIM 245570.

Submission:

Labcorp Genetics (formerly Invitae), Labcorp
Classification: Uncertain significance for Landau-Kleffner syndrome. Last evaluated: 2025-11-03. Review status: criteria provided, single submitter. Criteria: Invitae Variant Classification Sherloc (09022015). Collection method: clinical testing. Allele origin: germline.
Comment: This sequence change replaces lysine, which is basic and polar, with arginine, which is basic and polar, at codon 1283 of the GRIN2A protein (p.Lys1283Arg). This variant is not present in population databases (gnomAD no frequency). This variant has not been reported in the literature in individuals affected with GRIN2A-related conditions. ClinVar contains an entry for this variant (Variation ID: 940050). Invitae Evidence Modeling of protein sequence and biophysical properties (such as structural, functional, and spatial information, amino acid conservation, physicochemical variation, residue mobility, and thermodynamic stability) indicates that this missense variant is not expected to disrupt GRIN2A protein function with a negative predictive value of 95%. In summary, the available evidence is currently insufficient to determine the role of this variant in disease. Therefore, it has been classified as a Variant of Uncertain Significance.

NM_001134407.3(GRIN2A):c.3848A>G (p.Lys1283Arg)

Gene: GRIN2A (glutamate ionotropic receptor NMDA type subunit 2A; minus strand). Cytogenetic location: 16p13.2.
Variant type: single nucleotide variant.
Coding change: c.3848A>G on transcript NM_001134407.3 (MANE Select); coding-DNA position 3848, A replaced by G.
Protein change: p.Lys1283Arg; replaces lysine 1283 with arginine.
Molecular consequence: missense variant. On other transcripts: intron variant (1).
Genome position (GRCh38, 1-based): chr16:9,763,696, T>C on the plus strand (A>G on the coding strand, the complement: GRIN2A is on the minus strand). VCF-style: chr16-9763696-T-C. GRCh37 (hg19) VCF-style: chr16-9857553-T-C.
Other names: c.3848A>G, p.Lys1283Arg (NM_000833.5); c.3772+76A>G (NM_001134408.2); short protein forms K1283R.
Identifiers: ClinVar variation 940050 (VCV000940050.10), dbSNP rs1900705371, ClinGen allele CA394706710.